The following is an entry in ClinVar:

NM_001089.3(ABCA3):c.2798C>T (p.Pro933Leu)

Gene: ABCA3 (ATP binding cassette subfamily A member 3; minus strand). Cytogenetic location: 16p13.3.
Variant type: single nucleotide variant.
Coding change: c.2798C>T on transcript NM_001089.3 (MANE Select); coding-DNA position 2798, C replaced by T.
Protein change: p.Pro933Leu; replaces proline 933 with leucine.
Molecular consequence: missense variant.
Genome position (GRCh38, 1-based): chr16:2,288,232, G>A on the plus strand (C>T on the coding strand, the complement: ABCA3 is on the minus strand). VCF-style: chr16-2288232-G-A. GRCh37 (hg19) VCF-style: chr16-2338233-G-A.
Other names: short protein forms P933L.
Identifiers: ClinVar variation 2633927 (VCV002633927.2), dbSNP rs370682991, ClinGen allele CA7840698.
Genomic context (GRCh38, chr16:2,288,232, plus strand): 5'-TCGTCGAAGAGCTCCGAGGAGTAGTTGATGGCCAGGAGGGCCAGGGTGACGCAGGTCAGA[G>A]GCACCAGGACCTGTGCCGCCACCATTTTCCACTCGCGCCAGCTGTATGCGGCCTTCTTCA-3'
Protein context (NP_001080.2, residues 923-943): WKMVAAQVLV[Pro933Leu]LTCVTLALLA

ClinVar aggregate classification (germline): Uncertain significance. Review status: criteria provided, multiple submitters, no conflicts (2 of 4 stars). 2 submissions from 2 submitters: Uncertain significance (2). Last evaluated 2026-01-05.

Conditions:
ABCA3-related disorder. Also called: ABCA3-related condition.
Interstitial lung disease due to ABCA3 deficiency. Also called: PULMONARY ALVEOLAR PROTEINOSIS, CONGENITAL, 3. Identifiers: Orphanet 440402, MedGen C1970456, MONDO:0012582, OMIM 610921.

Allele frequency attached by ClinVar (database versions not stated): gnomAD exomes below 0.00001; gnomAD 0.00001; TOPMed 0.00001; ExAC 0.00006; ESP Exome Variant Server 0.00008.
gnomAD v4.1: 4 of 1,595,744 alleles (0.00025%); highest among the groups gnomAD compares: African/African-American, 0.0013%; no homozygotes.

Submissions (2):

Myriad Genetics, Inc.
Classification: Uncertain significance for Interstitial lung disease due to ABCA3 deficiency. Last evaluated: 2026-01-05. Review status: criteria provided, single submitter. Criteria: Myriad Autosomal Dominant, Autosomal Recessive and X-Linked Classification Criteria (2023). Collection method: clinical testing. Allele origin: unknown.
Comment: NM_001089.2(ABCA3):c.2798C>T(P933L) is a missense variant classified as a variant of uncertain significance in the context of surfactant deficiency, ABCA3-related. P933L has been observed in a case with relevant disease (PMID: 24871971). Relevant functional assessments of this variant are not available in the literature. P933L has been observed in referenced population frequency databases. In summary, there is insufficient evidence to classify NM_001089.2(ABCA3):c.2798C>T(P933L) as pathogenic or benign. Please note: this variant was assessed in the context of healthy population screening.

PreventionGenetics, part of Exact Sciences
Classification: Uncertain significance for ABCA3-related condition. Last evaluated: 2023-09-28. Review status: criteria provided, single submitter. Criteria: ACMG Guidelines, 2015. Collection method: clinical testing. Allele origin: germline.
Comment: The ABCA3 c.2798C>T variant is predicted to result in the amino acid substitution p.Pro933Leu. This variant has been reported along with a second ABCA3 variant in an individual with ABCA3 deficiency (Table E1, Wambach et al 2014. PubMed ID: 24871971). This variant is reported in 0.0075% of alleles in individuals of African descent in gnomAD. Although we suspect that this variant may be pathogenic, at this time, the clinical significance of this variant is uncertain due to the absence of conclusive functional and genetic evidence.

Literature cited by the submitters: PubMed 24871971 (cited by Myriad Genetics, Inc.).